The following is an entry in ClinVar:

NM_000548.5(TSC2):c.1204G>T (p.Gly402Trp)

Gene: TSC2 (TSC complex subunit 2; plus strand). Cytogenetic location: 16p13.3.
Variant type: single nucleotide variant.
Coding change: c.1204G>T on transcript NM_000548.5 (MANE Select); coding-DNA position 1204, G replaced by T.
Protein change: p.Gly402Trp; replaces glycine 402 with tryptophan.
Molecular consequence: missense variant.
Genome position (GRCh38, 1-based): chr16:2,061,955, G>T. VCF-style: chr16-2061955-G-T. GRCh37 (hg19) VCF-style: chr16-2111956-G-T.
Other names: c.1057G>T, p.Gly353Trp (NM_001318829.2); c.604G>T, p.Gly202Trp (NM_001318831.2); c.1204G>T, p.Gly402Trp (NM_001114382.3, NM_001363528.2, NM_001370404.1 and 3 more transcripts); c.1093G>T, p.Gly365Trp (NM_001318827.2); c.1237G>T, p.Gly413Trp (NM_001318832.2); short protein forms G365W, G402W, G202W, G413W, G353W.
Identifiers: ClinVar variation 933939 (VCV000933939.19), dbSNP rs771561593, ClinGen allele CA394320830.
Genomic context (GRCh38, chr16:2,061,955, plus strand): 5'-ACCATCGTCCATGACCTGTTGACCACGGTGGAGGAGCTGTGTGACCAGAACGAGTTCCAC[G>T]GGTCTCAGGAGAGATACTTTGAACTGGTGGAGAGATGTGCGGACCAGAGGCCTGTGAGAC-3'
Protein context (NP_000539.2, residues 392-412): EELCDQNEFH[Gly402Trp]SQERYFELVE

ClinVar aggregate classification (germline): Uncertain significance. Review status: criteria provided, multiple submitters, no conflicts (2 of 4 stars). 6 submissions from 6 submitters: Uncertain significance (6). Last evaluated 2025-12-22.

Conditions:
Tuberous sclerosis 2 (TSC2). Identifiers: Orphanet 805, MedGen C1860707, MONDO:0013199, OMIM 613254.
Isolated focal cortical dysplasia type II (FCORD2). Also called: Focal cortical dysplasia type II; CORTICAL DYSPLASIA OF TAYLOR. Identifiers: Orphanet 268994, MedGen C1846385, MONDO:0011818, OMIM 607341, HP:0032051.
Hereditary cancer-predisposing syndrome. Also called: Tumor predisposition; Hereditary neoplastic syndrome; Neoplastic Syndromes, Hereditary; Hereditary Cancer Syndrome. Identifiers: Orphanet 140162, MedGen C0027672, MeSH D009386, MONDO:0015356.

gnomAD v4.1: 1 of 1,614,164 alleles (0.000062%); highest among the groups gnomAD compares: Non-Finnish European, 0.000085%; no homozygotes.

Submissions (6):

Labcorp Genetics (formerly Invitae), Labcorp
Classification: Uncertain significance for Tuberous sclerosis 2. Last evaluated: 2025-12-22. Review status: criteria provided, single submitter. Criteria: Invitae Variant Classification Sherloc (09022015). Collection method: clinical testing. Allele origin: germline.
Comment: This sequence change replaces glycine, which is neutral and non-polar, with tryptophan, which is neutral and slightly polar, at codon 402 of the TSC2 protein (p.Gly402Trp). This variant is not present in population databases (gnomAD no frequency). This variant has not been reported in the literature in individuals affected with TSC2-related conditions. ClinVar contains an entry for this variant (Variation ID: 933939). Invitae Evidence Modeling of protein sequence and biophysical properties (such as structural, functional, and spatial information, amino acid conservation, physicochemical variation, residue mobility, and thermodynamic stability) indicates that this missense variant is not expected to disrupt TSC2 protein function with a negative predictive value of 95%. In summary, the available evidence is currently insufficient to determine the role of this variant in disease. Therefore, it has been classified as a Variant of Uncertain Significance.

Ambry Genetics
Classification: Uncertain significance for Hereditary cancer-predisposing syndrome. Last evaluated: 2024-10-28. Review status: criteria provided, single submitter. Criteria: Ambry Variant Classification Scheme 2023. Collection method: clinical testing. Allele origin: germline.
Comment: The p.G402W variant (also known as c.1204G>T), located in coding exon 11 of the TSC2 gene, results from a G to T substitution at nucleotide position 1204. The glycine at codon 402 is replaced by tryptophan, an amino acid with highly dissimilar properties. This amino acid position is conserved. In addition, this alteration is predicted to be deleterious by in silico analysis. Since supporting evidence is limited at this time, the clinical significance of this alteration remains unclear.

Baylor Genetics
Classification: Uncertain significance for Isolated focal cortical dysplasia type II. Last evaluated: 2024-01-24. Review status: criteria provided, single submitter. Criteria: ACMG Guidelines, 2015. Collection method: clinical testing. Allele origin: unknown.

GeneDx
Classification: Uncertain significance. Last evaluated: 2023-11-20. Review status: criteria provided, single submitter. Criteria: GeneDx Variant Classification Process June 2021. Collection method: clinical testing. Allele origin: germline. Affected: yes.
Comment: In silico analysis supports that this missense variant has a deleterious effect on protein structure/function; Has not been previously published as pathogenic or benign to our knowledge

Genome-Nilou Lab
Classification: Uncertain significance for Tuberous sclerosis 2. Last evaluated: 2021-11-07. Review status: criteria provided, single submitter. Criteria: ACMG Guidelines, 2015. Collection method: clinical testing. Allele origin: germline. Affected: no.

Sema4
Classification: Uncertain significance for Hereditary cancer-predisposing syndrome. Last evaluated: 2021-08-23. Review status: criteria provided, single submitter. Criteria: Sema4 Curation Guidelines. Collection method: curation. Allele origin: germline.
Comment: The TSC2 c.1204G>T (p.G402W) variant has not been reported in the literature to our knowledge. It was not observed in the large and broad cohorts of the Genome Aggregation Database (PMID: 32461654). The variant has been reported in ClinVar (Variation ID 933939). Functional studies have not been performed, and in silico predictions of the variant's effect on protein function are inconclusive. The evidence is insufficient to meet ACMG/AMP criteria for classifying the variant as benign or pathogenic. Thus, the clinical significance of this variant is currently uncertain.